The following is an entry in ClinVar:

ClinVar aggregate classification (germline): Conflicting classifications of pathogenicity. Review status: criteria provided, conflicting classifications (1 of 4 stars). 2 submissions from 2 submitters: Uncertain significance (1); Likely benign (1). Last evaluated 2025-09-15.

Conditions:
Hereditary cancer-predisposing syndrome. Also called: Hereditary Cancer Syndrome; Neoplastic Syndromes, Hereditary; Tumor predisposition; Hereditary neoplastic syndrome. Identifiers: Orphanet 140162, MedGen C0027672, MeSH D009386, MONDO:0015356.

Submissions (2):

Ambry Genetics
Classification: Likely benign for Hereditary cancer-predisposing syndrome. Last evaluated: 2025-09-15. Review status: criteria provided, single submitter. Criteria: Ambry Variant Classification Scheme 2023. Collection method: clinical testing. Allele origin: germline.

Quest Diagnostics Nichols Institute San Juan Capistrano
Classification: Uncertain significance. Last evaluated: 2023-02-13. Review status: criteria provided, single submitter. Criteria: Quest Diagnostics criteria. Collection method: clinical testing. Allele origin: unknown.
Comment: In a large-scale breast cancer association study, the variant was observed in an unaffected individual (PMID: 33471991 (2021), see also LOVD). It also has not been reported in large, multi-ethnic general populations. Analysis of this variant using bioinformatics tools for the prediction of the effect of amino acid changes on protein structure and function yielded conflicting predictions that this variant is benign or damaging. Based on the available information, we are unable to determine the clinical significance of this variant.

Literature cited by the submitters: PubMed 40738107 (cited by Ambry Genetics); PubMed 33471991 (cited by Quest Diagnostics Nichols Institute San Juan Capistrano).

NM_001048174.2(MUTYH):c.440C>T (p.Ala147Val)

Gene: MUTYH (mutY DNA glycosylase; minus strand). Cytogenetic location: 1p34.1.
Variant type: single nucleotide variant.
Coding change: c.440C>T on transcript NM_001048174.2 (MANE Select); coding-DNA position 440, C replaced by T.
Protein change: p.Ala147Val; replaces alanine 147 with valine.
Molecular consequence: missense variant. On other transcripts: non-coding transcript variant (2).
Genome position (GRCh38, 1-based): chr1:45,332,815, G>A on the plus strand (C>T on the coding strand, the complement: MUTYH is on the minus strand). VCF-style: chr1-45332815-G-A. GRCh37 (hg19) VCF-style: chr1-45798487-G-A.
Other names: c.440C>T, p.Ala147Val (NM_001048171.2, NM_001048173.2, NM_001293195.2 and 6 more transcripts); c.443C>T, p.Ala148Val (NM_001048172.2, NM_001407071.1, NM_001407078.1 and 1 more transcripts); c.524C>T, p.Ala175Val (NM_001128425.2); c.485C>T, p.Ala162Val (NM_001293190.2); c.473C>T, p.Ala158Val (NM_001293191.2, NM_001407069.1, NM_001407077.1); c.164C>T, p.Ala55Val (NM_001293192.2, NM_001293196.2, NM_001407091.1); c.95C>T, p.Ala32Val (NM_001350650.2, NM_001350651.2, NM_001407082.1); c.356C>T, p.Ala119Val (NM_001407075.1); and 5 more; short protein forms A134V, A119V, A158V, A161V, A172V, A147V, A162V, A175V.
Identifiers: ClinVar variation 1746346 (VCV001746346.5), dbSNP rs2149158164, ClinGen allele CA340135776.